The following is an entry in ClinVar:

ClinVar aggregate classification (germline): Uncertain significance (1 of 4 stars; one submission).

Submission:

GeneDx
Classification: Uncertain significance. Last evaluated: 2026-03-27. Review status: criteria provided, single submitter. Criteria: GeneDx Variant Classification Process June 2021. Collection method: clinical testing. Allele origin: germline.
Comment: Not observed at significant frequency in large population cohorts (gnomAD); In silico analysis suggests that this missense variant does not alter protein structure/function; Has not been previously published as pathogenic or benign to our knowledge; This variant is associated with the following publications: (PMID: 25512093, 25609763, 26100331)

NM_001376.5(DYNC1H1):c.11695C>T (p.Pro3899Ser)

Gene: DYNC1H1 (dynein cytoplasmic 1 heavy chain 1; plus strand). Cytogenetic location: 14q32.31.
Variant type: single nucleotide variant.
Coding change: c.11695C>T on transcript NM_001376.5 (MANE Select); coding-DNA position 11695, C replaced by T.
Protein change: p.Pro3899Ser; replaces proline 3899 with serine.
Molecular consequence: missense variant.
Genome position (GRCh38, 1-based): chr14:102,040,240, C>T. VCF-style: chr14-102040240-C-T. GRCh37 (hg19) VCF-style: chr14-102506577-C-T.
Other names: short protein forms P3899S.
Identifiers: ClinVar variation 5017435 (VCV005017435.1).
Genomic context (GRCh38, chr14:102,040,240, plus strand): 5'-AGTGACAGTGGGAGTGAACGTGAGAGACCCTAGCTAACCTGTTGCACCCTTCGCAGGGAG[C>T]CCACCTACGATGCAGAATTCCAGCACTTCTTGAGAGGAAATGAGATTGTCCTGAGTGCTG-3'
Protein context (NP_001367.2, residues 3889-3909): RIKLKGTVGE[Pro3899Ser]TYDAEFQHFL